The following is an entry in ClinVar:

ClinVar aggregate classification (germline): Benign/Likely benign. Review status: criteria provided, multiple submitters, no conflicts (2 of 4 stars). 4 submissions from 4 submitters: Benign (2); Likely benign (2). Last evaluated 2026-01-26.

Conditions:
Pigmentary pallidal degeneration (NBIA1). Also called: HARP SYNDROME; Pantothenate Kinase-Associated Neurodegeneration; Neurodegeneration with brain iron accumulation 1; PKAN NEUROAXONAL DYSTROPHY, JUVENILE-ONSET; Neuroaxonal dystrophy, late infantile; Hallervorden-Spatz disease. Identifiers: Orphanet 157850, MedGen C0018523, MONDO:0009319, OMIM 234200.

Allele frequency attached by ClinVar (database versions not stated): 1000 Genomes Project 30x 0.00109; 1000 Genomes Project 0.00140; ESP Exome Variant Server 0.00161.
gnomAD v4.1: 443 of 1,614,022 alleles (0.027%); highest among the groups gnomAD compares: African/African-American, 0.51%; 4 homozygotes.

Submissions (4):

Labcorp Genetics (formerly Invitae), Labcorp
Classification: Benign for Pigmentary pallidal degeneration. Last evaluated: 2026-01-26. Review status: criteria provided, single submitter. Criteria: Invitae Variant Classification Sherloc (09022015). Collection method: clinical testing. Allele origin: germline.

Mayo Clinic Laboratories, Mayo Clinic
Classification: Likely benign. Last evaluated: 2025-03-12. Review status: criteria provided, single submitter. Criteria: ACMG Guidelines, 2015. Collection method: clinical testing. Allele origin: germline. Observed: 2 variant alleles.
Comment: BS1, BP4, BP7

Blueprint Genetics
Classification: Likely benign. Last evaluated: 2024-10-22. Review status: criteria provided, single submitter. Criteria: ACMG Guidelines, 2015. Collection method: clinical testing. Allele origin: germline.

Breakthrough Genomics
Classification: Benign. Review status: criteria provided, single submitter. Criteria: ACMG Guidelines, 2015. Collection method: not provided. Allele origin: germline. Inheritance: Autosomal recessive inheritance. Affected: yes.

NM_001386393.1(PANK2):c.1332+16C>A

Gene: PANK2 (pantothenate kinase 2; plus strand). Cytogenetic location: 20p13.
Variant type: single nucleotide variant.
Coding change: c.1332+16C>A on transcript NM_001386393.1 (MANE Select); 16 bases into the intron after coding-DNA position 1332, C replaced by A.
Molecular consequence: intron variant.
Genome position (GRCh38, 1-based): chr20:3,918,812, C>A. VCF-style: chr20-3918812-C-A. GRCh37 (hg19) VCF-style: chr20-3899459-C-A.
Other names: p.?; c.1662+16C>A (NM_153638.3, NM_153638.4); c.789+16C>A (NM_024960.6, NM_001324191.2, NM_153640.4); c.354+16C>A (NM_001324193.2).
Identifiers: ClinVar variation 1598607 (VCV001598607.10), dbSNP rs142997448, ClinGen allele CA9750945.